The following is an entry in ClinVar:

NM_001008388.5(CISD2):c.103+5353C>G

Gene: CISD2 (CDGSH iron sulfur domain 2; plus strand). Cytogenetic location: 4q24.
Variant type: single nucleotide variant.
Coding change: c.103+5353C>G on transcript NM_001008388.5 (MANE Select); 5353 bases into the intron after coding-DNA position 103, C replaced by G.
Molecular consequence: intron variant.
Genome position (GRCh38, 1-based): chr4:102,874,540, C>G. VCF-style: chr4-102874540-C-G. GRCh37 (hg19) VCF-style: chr4-103795697-C-G.
Identifiers: ClinVar variation 2654984 (VCV002654984.24), dbSNP rs143443440, ClinGen allele CA102697476.
Genomic context (GRCh38, chr4:102,874,540, plus strand): 5'-GTCGAAATTATATTAAAATATTTTAAAAAGGAAATTTGGGCACACACAAAGGGAGAACAC[C>G]ATGTGAAGATGGAGGCAGAGATTGGGGTGATAGACCTACAAGCTAAGGGACACCACAGCT-3'

ClinVar aggregate classification (germline): Likely benign (1 of 4 stars; one submission).

Allele frequency attached by ClinVar (database versions not stated): 1000 Genomes Project 0.00260; 1000 Genomes Project 30x 0.00281; gnomAD 0.00528.

Submission:

CeGaT Center for Human Genetics Tuebingen
Classification: Likely benign. Last evaluated: 2023-05-01. Review status: criteria provided, single submitter. Criteria: CeGaT Center For Human Genetics Tuebingen Variant Classification Criteria Version 2. Collection method: clinical testing. Allele origin: germline. Affected: yes. Observed: 2 variant alleles.
Comment: CISD2: BS2